The following is an entry in ClinVar:

ClinVar aggregate classification (germline): Uncertain significance (1 of 4 stars; one submission).

Conditions:
Inborn genetic diseases. Identifiers: MedGen C0950123, MeSH D030342.

Submission:

Ambry Genetics
Classification: Uncertain significance for Inborn genetic diseases. Last evaluated: 2025-03-17. Review status: criteria provided, single submitter. Criteria: Ambry Variant Classification Scheme 2023. Collection method: clinical testing. Allele origin: germline.
Comment: The p.P86H variant (also known as c.257C>A), located in coding exon 1 of the FANCM gene, results from a C to A substitution at nucleotide position 257. The proline at codon 86 is replaced by histidine, an amino acid with similar properties. This amino acid position is conserved. In addition, the in silico prediction for this alteration is inconclusive. Based on the available evidence, the clinical significance of this variant remains unclear.

NM_020937.4(FANCM):c.257C>A (p.Pro86His)

Gene: FANCM (FA complementation group M; plus strand). Cytogenetic location: 14q21.2.
Variant type: single nucleotide variant.
Coding change: c.257C>A on transcript NM_020937.4 (MANE Select); coding-DNA position 257, C replaced by A.
Protein change: p.Pro86His; replaces proline 86 with histidine.
Molecular consequence: missense variant.
Genome position (GRCh38, 1-based): chr14:45,136,288, C>A. VCF-style: chr14-45136288-C-A. GRCh37 (hg19) VCF-style: chr14-45605491-C-A.
Other names: c.257C>A, p.Pro86His (NM_001308133.2, NM_001308134.2); short protein forms P86H.
Identifiers: ClinVar variation 4022586 (VCV004022586.1).